The following is an entry in ClinVar:

ClinVar aggregate classification (germline): Uncertain significance (1 of 4 stars; one submission).

Submission:

Labcorp Genetics (formerly Invitae), Labcorp
Classification: Uncertain significance. Last evaluated: 2021-10-28. Review status: criteria provided, single submitter. Criteria: Invitae Variant Classification Sherloc (09022015). Collection method: clinical testing. Allele origin: germline.
Comment: In summary, the available evidence is currently insufficient to determine the role of this variant in disease. Therefore, it has been classified as a Variant of Uncertain Significance. Algorithms developed to predict the effect of missense changes on protein structure and function are either unavailable or do not agree on the potential impact of this missense change (SIFT: "Deleterious"; PolyPhen-2: "Probably Damaging"; Align-GVGD: "Class C0"). This variant has not been reported in the literature in individuals affected with VPS13C-related conditions. This variant is not present in population databases (gnomAD no frequency). This sequence change replaces glycine, which is neutral and non-polar, with arginine, which is basic and polar, at codon 2368 of the VPS13C protein (p.Gly2368Arg).

NM_020821.3(VPS13C):c.7102G>A (p.Gly2368Arg)

Gene: VPS13C (vacuolar protein sorting 13 homolog C; minus strand). Cytogenetic location: 15q22.2.
Variant type: single nucleotide variant.
Coding change: c.7102G>A on transcript NM_020821.3 (MANE Select); coding-DNA position 7102, G replaced by A.
Protein change: p.Gly2368Arg; replaces glycine 2368 with arginine.
Molecular consequence: missense variant.
Genome position (GRCh38, 1-based): chr15:61,920,608, C>T on the plus strand (G>A on the coding strand, the complement: VPS13C is on the minus strand). VCF-style: chr15-61920608-C-T. GRCh37 (hg19) VCF-style: chr15-62212807-C-T.
Other names: c.7102G>A, p.Gly2368Arg (NM_001018088.3); c.6973G>A, p.Gly2325Arg (NM_017684.5, NM_018080.4); short protein forms G2325R, G2368R.
Identifiers: ClinVar variation 1445345 (VCV001445345.6), dbSNP rs2140179699, ClinGen allele CA392684622.
Genomic context (GRCh38, chr15:61,920,608, plus strand): 5'-TCATTGTATTTCCTGAAGAAATATGAATTGCCATTTGTGGCTCAGGAATAAAATCATCTC[C>T]TGGCAGCAAACTTTTATCCTGAACTGGGTTCTTCTTTACCTATGAAGAAAAATAACACAG-3'
Protein context (NP_065872.1, residues 2358-2378): NPVQDKSLLP[Gly2368Arg]DDFIPEPQMA